The following is an entry in ClinVar:

ClinVar aggregate classification (germline): Uncertain significance (0 of 4 stars; one submission).

Conditions:
Polycystic kidney disease. Also called: Polycystic kidney dysplasia; Kidney, Polycystic. Identifiers: MedGen C0022680, MeSH D007690, MONDO:0020642, HP:0000113.

Allele frequency attached by ClinVar (database versions not stated): ExAC 0.00002; gnomAD exomes 0.00003.
gnomAD v4.1: 18 of 1,596,824 alleles (0.0011%); highest among the groups gnomAD compares: South Asian, 0.019%; no homozygotes.

Submission:

Department of Pathology and Laboratory Medicine, Sinai Health System
Classification: Uncertain significance for Polycystic Kidney disease. Review status: no assertion criteria provided. Collection method: clinical testing. Allele origin: unknown. Affected: yes. Study: The Canadian Open Genetics Repository (COGR).
Comment: The PKD1 p.Gln2606His variant was not identified in the literature nor was it identified in the ClinVar, LOVD 3.0, ADPKD Mutation Database or PKD1-LOVD databases. The variant was identified in dbSNP (rs753798096) as â€šÃ„ÃºNAâ€šÃ„Ã¹. The variant was identified in control databases in 7 of 228,866 chromosomes at a frequency of 0.00003 (Genome Aggregation Database Feb 27, 2017). The variant was observed in the South Asian population in 7 of 30,506 chromosomes (freq: 0.0002), but not in the African, Other, Latino, European, Ashkenazi Jewish, East Asian or Finnish populations. The p.Gln2606 residue is conserved in mammals and computational analyses (PolyPhen-2, SIFT, AlignGVGD, BLOSUM, MutationTaster) provide inconsistent predictions regarding the impact to the protein; this information is not very predictive of pathogenicity. The variant occurs outside of the splicing consensus sequence and in silico or computational prediction software programs (SpliceSiteFinder, MaxEntScan, NNSPLICE, GeneSplicer) do not predict a difference in splicing. In summary, based on the above information, the clinical significance of this variant cannot be determined with certainty at this time. This variant is classified as a variant of uncertain significance.

NM_001009944.3(PKD1):c.7818G>C (p.Gln2606His)

Gene: PKD1 (polycystin 1, transient receptor potential channel interacting; minus strand). Cytogenetic location: 16p13.3.
Variant type: single nucleotide variant.
Coding change: c.7818G>C on transcript NM_001009944.3 (MANE Select); coding-DNA position 7818, G replaced by C.
Protein change: p.Gln2606His; replaces glutamine 2606 with histidine.
Molecular consequence: missense variant.
Genome position (GRCh38, 1-based): chr16:2,105,910, C>G on the plus strand (G>C on the coding strand, the complement: PKD1 is on the minus strand). VCF-style: chr16-2105910-C-G. GRCh37 (hg19) VCF-style: chr16-2155911-C-G.
Other names: c.7818G>C, p.Gln2606His (NM_000296.4); short protein forms Q2606H.
Identifiers: ClinVar variation 997313 (VCV000997313.1), dbSNP rs753798096, ClinGen allele CA7830899.
Genomic context (GRCh38, chr16:2,105,910, plus strand): 5'-CCAGGCTGCACTCACCTCGTTCAGCACGGTGACCAGGGCCAACGAGTACTCGATGACGTG[C>G]TGGGGATCGGCCTGCCGCAGCAGCCCTGGGAGCACACTAGCGGTGAGCCCGTGCAGCCAG-3'
Protein context (NP_001009944.3, residues 2596-2616): LPGLLRQADP[Gln2606His]HVIEYSLALV